The following is an entry in ClinVar:

ClinVar aggregate classification (germline): Pathogenic (1 of 4 stars; one submission).

Conditions:
Severe combined immunodeficiency, autosomal recessive, T cell-negative, B cell-negative, NK cell-negative, due to adenosine deaminase deficiency. Also called: ADA-SCID; SCID DUE TO ADA DEFICIENCY; SCID DUE TO ADA DEFICIENCY, EARLY-ONSET; ADA deficiency; Adenosine deaminase deficient severe combined immunodeficiency; Severe combined immunodeficiency due to ADA deficiency. Identifiers: Orphanet 277, MedGen C0392607, MONDO:0007064, OMIM 102700.

Submission:

Labcorp Genetics (formerly Invitae), Labcorp
Classification: Pathogenic for Severe combined immunodeficiency, autosomal recessive, T cell-negative, B cell-negative, NK cell-negative, due to adenosine deaminase deficiency. Last evaluated: 2023-08-28. Review status: criteria provided, single submitter. Criteria: Invitae Variant Classification Sherloc (09022015). Collection method: clinical testing. Allele origin: germline.
Comment: This variant disrupts a region of the ADA protein in which other variant(s) (p.Arg341Glyfs*8) have been determined to be pathogenic (PMID: 8227344; Invitae). This suggests that this is a clinically significant region of the protein, and that variants that disrupt it are likely to be disease-causing. This premature translational stop signal has been observed in individual(s) with severe combined immunodeficiency (PMID: 28747913). This variant is not present in population databases (gnomAD no frequency). This sequence change creates a premature translational stop signal (p.Lys340Glufs*9) in the ADA gene. While this is not anticipated to result in nonsense mediated decay, it is expected to disrupt the last 24 amino acid(s) of the ADA protein. For these reasons, this variant has been classified as Pathogenic.

Literature cited by the submitters: PubMed 8227344; PubMed 28747913.

NM_000022.4(ADA):c.1018_1019del (p.Lys340fs)

Gene: ADA (adenosine deaminase; minus strand). Cytogenetic location: 20q13.12.
Variant type: Deletion.
Coding change: c.1018_1019del on transcript NM_000022.4 (MANE Select); coding-DNA positions 1018 to 1019, 2 bases deleted (AA; older notation c.1018_1019delAA).
Protein change: p.Lys340fs; shifts the reading frame from lysine 340.
Molecular consequence: frameshift variant. On other transcripts: non-coding transcript variant (1).
Genome position (GRCh38, 1-based): chr20:44,620,358-44,620,359, TT deleted on the plus strand (AA on the coding strand, the reverse complement: ADA is on the minus strand); deleting any 2 consecutive bases within chr20:44,620,358-44,620,361 gives the same sequence; the c. name uses the placement nearest the transcript's 3' end. VCF-style (leftmost placement, unchanged base first): chr20-44620357-CTT-C. GRCh37 (hg19) VCF-style: chr20-43248998-CTT-C.
Other names: c.613_614del, p.Lys205fs (NM_001322050.2); c.946_947del, p.Lys316fs (NM_001322051.2); short protein forms K340fs, K205fs, K316fs.
Identifiers: ClinVar variation 2910464 (VCV002910464.3), dbSNP rs1388462218, ClinGen allele CA2695229804.